The following is an entry in ClinVar:

ClinVar aggregate classification (germline): Uncertain significance (1 of 4 stars; one submission).

Conditions:
Pitt-Hopkins-like syndrome 2 (PTHSL2). Identifiers: Orphanet 221150, Orphanet 600663, MedGen C3280479, MONDO:0013690, OMIM 614325.

Allele frequency attached by ClinVar (database versions not stated): gnomAD exomes below 0.00001.
gnomAD v4.1: 1 of 1,613,226 alleles (0.000062%); highest among the groups gnomAD compares: Admixed American, 0.0017%; no homozygotes.

Submission:

Labcorp Genetics (formerly Invitae), Labcorp
Classification: Uncertain significance for Pitt-Hopkins-like syndrome 2. Last evaluated: 2021-05-04. Review status: criteria provided, single submitter. Criteria: Invitae Variant Classification Sherloc (09022015). Collection method: clinical testing. Allele origin: germline.
Comment: In summary, the available evidence is currently insufficient to determine the role of this variant in disease. Therefore, it has been classified as a Variant of Uncertain Significance. Algorithms developed to predict the effect of missense changes on protein structure and function (SIFT, PolyPhen-2, Align-GVGD) all suggest that this variant is likely to be tolerated, but these predictions have not been confirmed by published functional studies and their clinical significance is uncertain. This variant has not been reported in the literature in individuals with NRXN1-related conditions. ClinVar contains an entry for this variant (Variation ID: 836332). This variant is not present in population databases (ExAC no frequency). This sequence change replaces alanine with valine at codon 399 of the NRXN1 protein (p.Ala399Val). The alanine residue is highly conserved and there is a small physicochemical difference between alanine and valine.

NM_001330078.2(NRXN1):c.1097C>T (p.Ala366Val)

Gene: NRXN1 (neurexin 1; minus strand). Cytogenetic location: 2p16.3.
Variant type: single nucleotide variant.
Coding change: c.1097C>T on transcript NM_001330078.2 (MANE Select); coding-DNA position 1097, C replaced by T.
Protein change: p.Ala366Val; replaces alanine 366 with valine.
Molecular consequence: missense variant.
Genome position (GRCh38, 1-based): chr2:50,623,351, G>A on the plus strand (C>T on the coding strand, the complement: NRXN1 is on the minus strand). VCF-style: chr2-50623351-G-A. GRCh37 (hg19) VCF-style: chr2-50850489-G-A.
Other names: c.1097C>T, p.Ala366Val (NM_001330077.2, NM_001330082.2, NM_001330085.2 and 3 more transcripts); c.1037C>T, p.Ala346Val (NM_001330083.2, NM_001330084.2, NM_001330087.2 and 1 more transcripts); c.1067C>T, p.Ala356Val (NM_001330088.2); c.1094C>T, p.Ala365Val (NM_001330093.2); c.1085C>T, p.Ala362Val (NM_001330094.2); c.1196C>T, p.Ala399Val (NM_001135659.3); short protein forms A356V, A346V, A366V, A362V, A399V, A365V.
Identifiers: ClinVar variation 836332 (VCV000836332.9), dbSNP rs1369505883, ClinGen allele CA346822136.